The following is an entry in ClinVar:

ClinVar aggregate classification (germline): Likely pathogenic (1 of 4 stars; one submission).

Conditions:
Hereditary acrodermatitis enteropathica (AEZ). Also called: Acrodermatitis enteropathica. Identifiers: Orphanet 37, MedGen C0221036, MONDO:0008713, OMIM 201100.

Submission:

Natera, Inc.
Classification: Likely pathogenic for Acrodermatitis enteropathica. Last evaluated: 2024-02-22. Review status: criteria provided, single submitter. Criteria: Natera Variant Classification Schema (03/2026). Collection method: clinical testing. Allele origin: germline.
Comment: The c.1426delG variant in SLC39A4 is a frameshift variant predicted to shift the reading frame beginning at codon 476 and leads to a stop codon 7 codons downstream. This variant is expected to result in nonsense mediated decay, truncation, or a dysfunctional protein product. This variant is rare in the general population with a frequency below the threshold expected for the associated phenotype(s). Given the available evidence, this variant is classified as Likely Pathogenic.

NM_130849.4(SLC39A4):c.1426del (p.Glu476fs)

Gene: SLC39A4 (solute carrier family 39 member 4; minus strand). Cytogenetic location: 8q24.3.
Variant type: Deletion.
Coding change: c.1426del on transcript NM_130849.4 (MANE Select); coding-DNA position 1426, one base deleted (G; older notation c.1426delG).
Protein change: p.Glu476fs; shifts the reading frame from glutamic acid 476.
Molecular consequence: frameshift variant. On other transcripts: 5 prime UTR variant (1).
Genome position (GRCh38, 1-based): chr8:144,413,561, C deleted on the plus strand (G on the coding strand, the reverse complement: SLC39A4 is on the minus strand); the first of 2 consecutive C bases (chr8:144,413,561-144,413,562); deleting either gives the same sequence. VCF-style (leftmost placement, unchanged base first): chr8-144413560-TC-T. GRCh37 (hg19) VCF-style: chr8-145638944-TC-T.
Other names: c.-69del (NM_001280557.2); c.1144del, p.Glu382fs (NM_001374839.1); c.1351del, p.Glu451fs (NM_017767.3); short protein forms E382fs, E451fs, E476fs.
Identifiers: ClinVar variation 4816453 (VCV004816453.1).